The following is an entry in ClinVar:

ClinVar aggregate classification (germline): Likely benign (0 of 4 stars; one submission).

Conditions:
DYSF-related disorder. Also called: DYSF-related disorders; DYSF-related condition.

Allele frequency attached by ClinVar (database versions not stated): ExAC 0.00059; gnomAD 0.00166; ESP Exome Variant Server 0.00185; TOPMed 0.00195; 1000 Genomes Project 30x 0.00203; 1000 Genomes Project 0.00240.
gnomAD v4.1: 516 of 1,540,294 alleles (0.034%); highest among the groups gnomAD compares: African/African-American, 0.61%; 4 homozygotes.

Submission:

PreventionGenetics, part of Exact Sciences
Classification: Likely benign for DYSF-related condition. Last evaluated: 2019-05-03. Review status: no assertion criteria provided. Collection method: clinical testing. Allele origin: germline.
Comment: This variant is classified as likely benign based on ACMG/AMP sequence variant interpretation guidelines (Richards et al. 2015 PMID: 25741868, with internal and published modifications).

NM_001130987.2(DYSF):c.1493+49G>A

Gene: DYSF (dysferlin; plus strand). Cytogenetic location: 2p13.2.
Variant type: single nucleotide variant.
Coding change: c.1493+49G>A on transcript NM_001130987.2 (MANE Select); 49 bases into the intron after coding-DNA position 1493, G replaced by A.
Molecular consequence: intron variant.
Genome position (GRCh38, 1-based): chr2:71,535,360, G>A. VCF-style: chr2-71535360-G-A. GRCh37 (hg19) VCF-style: chr2-71762490-G-A.
Other names: c.1490+49G>A (NM_001130979.2, NM_001130981.2, NM_001130980.2); c.1397+49G>A (NM_001130978.2, NM_003494.4, NM_001130977.2 and 1 more transcripts); c.1493+49G>A (NM_001130982.2, NM_001130985.2); c.1400+49G>A (NM_001130983.2, NM_001130455.2, NM_001130984.2 and 1 more transcripts).
Identifiers: ClinVar variation 3059351 (VCV003059351.2), dbSNP rs374936462, ClinGen allele CA1705784.
Genomic context (GRCh38, chr2:71,535,360, plus strand): 5'-TATCATAGACTGGTGAGTTCTGAGTCTTGGAGTCTTTAGGGCGGGCTGTCCTGAGGGGGC[G>A]CTGGGTCCCTCAGTTTCATTCGGCTCAGTGACTGGTAGTAAGAGTGTGAGGGAGAAGTTT-3'